The following is an entry in ClinVar:

NM_000535.7(PMS2):c.1348A>T (p.Lys450Ter)

Gene: PMS2 (PMS1 homolog 2, mismatch repair system component; minus strand). Cytogenetic location: 7p22.1.
Variant type: single nucleotide variant.
Coding change: c.1348A>T on transcript NM_000535.7 (MANE Select); coding-DNA position 1348, A replaced by T.
Protein change: p.Lys450Ter; replaces lysine 450 with a stop codon.
Molecular consequence: nonsense. On other transcripts: non-coding transcript variant (1).
Genome position (GRCh38, 1-based): chr7:5,987,417, T>A on the plus strand (A>T on the coding strand, the complement: PMS2 is on the minus strand). VCF-style: chr7-5987417-T-A. GRCh37 (hg19) VCF-style: chr7-6027048-T-A.
Other names: c.943A>T, p.Lys315Ter (NM_001322003.2, NM_001322004.2, NM_001322005.2 and 1 more transcripts); c.1192A>T, p.Lys398Ter (NM_001322006.2); c.1030A>T, p.Lys344Ter (NM_001322007.2, NM_001322008.2); c.787A>T, p.Lys263Ter (NM_001322010.2); c.415A>T, p.Lys139Ter (NM_001322011.2, NM_001322012.2); c.775A>T, p.Lys259Ter (NM_001322013.2); c.1348A>T, p.Lys450Ter (NM_001322014.2); c.1039A>T, p.Lys347Ter (NM_001322015.2); and 1 more; short protein forms K450*, K398*, K259*, K347*, K344*, K139*, K263*, K315*.
Identifiers: ClinVar variation 411069 (VCV000411069.11), dbSNP rs1060503142, ClinGen allele CA16612130.

ClinVar aggregate classification (germline): Pathogenic/Likely pathogenic. Review status: criteria provided, multiple submitters, no conflicts (2 of 4 stars). 4 submissions from 4 submitters: Pathogenic (3); Likely pathogenic (1). Last evaluated 2025-12-04.

Conditions:
Hereditary cancer-predisposing syndrome. Also called: Tumor predisposition; Hereditary Cancer Syndrome; Hereditary neoplastic syndrome; Neoplastic Syndromes, Hereditary. Identifiers: Orphanet 140162, MedGen C0027672, MeSH D009386, MONDO:0015356.
Lynch syndrome 4 (LYNCH4). Also called: Colorectal cancer, hereditary nonpolyposis, type 4; Hereditary non-polyposis colorectal cancer, type 4. Identifiers: Orphanet 144, MedGen C1838333, MONDO:0013699, OMIM 614337. Disease mechanism: loss of function.
Hereditary nonpolyposis colon cancer (HNPCC). Also called: Hereditary nonpolyposis colorectal cancer; Familial nonpolyposis colon cancer; Hereditary Nonpolyposis Colorectal Cancer Syndrome. Identifiers: Orphanet 443909, MedGen C1333990, MONDO:0018630. Disease mechanism: loss of function.
Hereditary nonpolyposis colorectal neoplasms. Identifiers: MedGen C0009405, MeSH D003123.

Submissions (4):

Myriad Genetics, Inc.
Classification: Pathogenic for Lynch syndrome 4. Last evaluated: 2025-12-04. Review status: criteria provided, single submitter. Criteria: Myriad Autosomal Dominant, Autosomal Recessive and X-Linked Classification Criteria (2023). Collection method: clinical testing. Allele origin: unknown.
Comment: This variant is considered pathogenic. This variant creates a termination codon and is predicted to result in premature protein truncation.

Labcorp Genetics (formerly Invitae), Labcorp
Classification: Pathogenic for Hereditary nonpolyposis colorectal neoplasms. Last evaluated: 2023-06-29. Review status: criteria provided, single submitter. Criteria: Invitae Variant Classification Sherloc (09022015). Collection method: clinical testing. Allele origin: germline.
Comment: This variant has not been reported in the literature in individuals affected with PMS2-related conditions. ClinVar contains an entry for this variant (Variation ID: 411069). For these reasons, this variant has been classified as Pathogenic. This variant is not present in population databases (gnomAD no frequency). This sequence change creates a premature translational stop signal (p.Lys450*) in the PMS2 gene. It is expected to result in an absent or disrupted protein product. Loss-of-function variants in PMS2 are known to be pathogenic (PMID: 21376568, 24362816).

Women's Health and Genetics/Laboratory Corporation of America, LabCorp
Classification: Likely pathogenic for Hereditary nonpolyposis colon cancer. Last evaluated: 2023-01-17. Review status: criteria provided, single submitter. Criteria: LabCorp Variant Classification Summary - May 2015. Collection method: clinical testing. Allele origin: germline.
Comment: Variant summary: PMS2 c.1348A>T (p.Lys450X) results in a premature termination codon, predicted to cause a truncation of the encoded protein or absence of the protein due to nonsense mediated decay, which are commonly known mechanisms for disease. Truncations downstream of this position have been classified as pathogenic by our laboratory. The variant was absent in 251476 control chromosomes. To our knowledge, no occurrence of c.1348A>T in individuals affected with Hereditary Nonpolyposis Colorectal Cancer and no experimental evidence demonstrating its impact on protein function have been reported. One clinical diagnostic laboratory has submitted clinical-significance assessments for this variant to ClinVar after 2014 without evidence for independent evaluation. One laboratory classified the variant as pathogenic. Based on the evidence outlined above, the variant was classified as likely pathogenic.

Ambry Genetics
Classification: Pathogenic for Hereditary cancer-predisposing syndrome. Last evaluated: 2022-12-02. Review status: criteria provided, single submitter. Criteria: Ambry Variant Classification Scheme 2023. Collection method: clinical testing. Allele origin: germline.
Comment: The p.K450* pathogenic mutation (also known as c.1348A>T), located in coding exon 11 of the PMS2 gene, results from an A to T substitution at nucleotide position 1348. This changes the amino acid from a lysine to a stop codon within coding exon 11. This alteration is expected to result in loss of function by premature protein truncation or nonsense-mediated mRNA decay. As such, this alteration is interpreted as a disease-causing mutation.

Literature cited by the submitters: PubMed 21376568 (cited by Labcorp Genetics (formerly Invitae), Labcorp); PubMed 24362816 (cited by Labcorp Genetics (formerly Invitae), Labcorp).